The following is an entry in ClinVar:

NM_001923.5(DDB1):c.679G>T (p.Gly227Trp)

Gene: DDB1 (damage specific DNA binding protein 1; minus strand). Cytogenetic location: 11q12.2.
Variant type: single nucleotide variant.
Coding change: c.679G>T on transcript NM_001923.5 (MANE Select); coding-DNA position 679, G replaced by T.
Protein change: p.Gly227Trp; replaces glycine 227 with tryptophan.
Molecular consequence: missense variant.
Genome position (GRCh38, 1-based): chr11:61,325,694, C>A on the plus strand (G>T on the coding strand, the complement: DDB1 is on the minus strand). VCF-style: chr11-61325694-C-A. GRCh37 (hg19) VCF-style: chr11-61093166-C-A.
Other names: short protein forms G227W.
Identifiers: ClinVar variation 3236766 (VCV003236766.1), dbSNP rs752937876.

ClinVar aggregate classification (germline): Uncertain significance (1 of 4 stars; one submission).

Conditions:
White-Kernohan syndrome. Also called: GLOBAL DEVELOPMENTAL DELAY, HYPOTONIA, AND CHARACTERISTIC FACIAL FEATURES. Identifiers: MedGen C5543635, MONDO:0859169, OMIM 619426.

Allele frequency attached by ClinVar (database versions not stated): ExAC 0.00001.
gnomAD v4.1: 2 of 1,612,838 alleles (0.00012%); highest among the groups gnomAD compares: Non-Finnish European, 0.00017%; no homozygotes.

Submission:

MVZ Medizinische Genetik Mainz
Classification: Uncertain significance for White-Kernohan syndrome. Last evaluated: 2023-06-30. Review status: criteria provided, single submitter. Criteria: UK Practice Guidelines For Variant Classification V4 01 2020. Collection method: clinical testing. Allele origin: germline. Inheritance: Autosomal dominant inheritance. Affected: yes. Observed: 1 variant allele.
Comment: ACMG Criteria: PP3_MOD,PM2_SUP,PP2